The following is an entry in ClinVar:

ClinVar aggregate classification (germline): Pathogenic. Review status: reviewed by expert panel (3 of 4 stars). 12 submissions from 12 submitters: Pathogenic (1). 11 of the submissions do not count toward it. Last evaluated 2017-03-17.

Conditions:
CFTR-related disorder (CFTR-RD). Also called: CFTR-related condition; CFTR-related disorders. Identifiers: MedGen C5924204, MONDO:7770004.
Bronchiectasis with or without elevated sweat chloride 1 (BESC1). Also called: Cystic Fibrosis-Like Syndrome. Identifiers: Orphanet 60033, MedGen C2749757, MONDO:0008887, OMIM 211400.
Congenital bilateral aplasia of vas deferens from CFTR mutation (CBAVD). Identifiers: Orphanet 48, MedGen C0403814, MONDO:0010178, OMIM 277180. Disease mechanism: loss of function.
Cystic fibrosis (CF). Also called: MUCOVISCIDOSIS. Identifiers: Orphanet 586, MedGen C0010674, MONDO:0009061, OMIM 219700. Disease mechanism: loss of function.
Hereditary pancreatitis (PCTT). Also called: PRSS1-Related Hereditary Pancreatitis; Hereditary chronic pancreatitis. Identifiers: Orphanet 676, MedGen C0238339, MONDO:0008185, OMIM 167800.

Allele frequency attached by ClinVar (database versions not stated): gnomAD exomes below 0.00001; gnomAD 0.00001; ExAC 0.00001.
gnomAD v4.1: 3 of 1,485,476 alleles (0.0002%); highest among the groups gnomAD compares: Admixed American, 0.0017%; no homozygotes.

Submissions (12):

CFTR2
Classification: Pathogenic for Cystic fibrosis. Last evaluated: 2017-03-17. Review status: reviewed by expert panel. Criteria: Sosnay PR et al. (Nat Genet 2013). Collection method: research. Allele origin: germline. Affected: yes. Study: CFTR2.

Labcorp Genetics (formerly Invitae), Labcorp
Classification: Pathogenic for Cystic fibrosis. Last evaluated: 2025-07-21. Review status: criteria provided, single submitter. Criteria: Invitae Variant Classification Sherloc (09022015). Collection method: clinical testing. Allele origin: germline. Not counted in ClinVar's aggregate classification.
Comment: This sequence change affects a donor splice site in intron 3 of the CFTR gene. RNA analysis indicates that disruption of this splice site induces altered splicing and may result in an absent or altered protein product. This variant is present in population databases (rs121908791, gnomAD 0.0009%). Disruption of this splice site has been observed in individual(s) with cystic fibrosis (PMID: 7506605, 23974870, 28546993). In at least one individual the data is consistent with being in trans (on the opposite chromosome) from a pathogenic variant. This variant is also known as 405+1G>A. ClinVar contains an entry for this variant (Variation ID: 53549). Studies have shown that disruption of this splice site results in skipping of exon 3, and produces a non-functional protein and/or introduces a premature termination codon (PMID: 7506605). For these reasons, this variant has been classified as Pathogenic.

3billion
Classification: Pathogenic for Cystic fibrosis. Last evaluated: 2025-06-18. Review status: criteria provided, single submitter. Criteria: ACMG Guidelines, 2015. Collection method: clinical testing. Allele origin: germline. Affected: yes. Not counted in ClinVar's aggregate classification.
Comment: The variant is observed at an extremely low frequency in the gnomAD v4.1.0 dataset (total allele frequency: <0.001%). Predicted Consequence/Location: Canonical splice site: predicted to alter splicing and result in a loss or disruption of normal protein function. Multiple pathogenic loss-of-function variants are reported downstream of the variant. The variant has been reported multiple times as an established pathogenic variant (ClinVar ID: VCV000053549 /PMID: 7506605). Therefore, this variant is classified as Pathogenic according to the recommendation of ACMG/AMP guideline.

Natera, Inc.
Classification: Pathogenic for CFTR-related disorders. Last evaluated: 2024-05-09. Review status: criteria provided, single submitter. Criteria: Natera Variant Classification Schema (03/2026). Collection method: clinical testing. Allele origin: germline. Not counted in ClinVar's aggregate classification.
Comment: The c.273+1G>A variant in CFTR is a canonical splice donor site variant predicted to affect pre-mRNA splicing, which may result in an abnormal transcript and altered protein product. This variant is expected to result in nonsense mediated decay, truncation, or a dysfunctional protein product. This variant is rare in the general population with a frequency below the threshold expected for the associated phenotype(s). This variant has been observed in one or more individuals affected with the associated recessive disease, as either homozygous or compound heterozygous with a second variant (PMID: 9917439). Given the available evidence, this variant is classified as Pathogenic.

Baylor Genetics
Classification: Pathogenic for Bronchiectasis with or without elevated sweat chloride 1. Last evaluated: 2023-07-31. Review status: criteria provided, single submitter. Criteria: ACMG Guidelines, 2015. Collection method: clinical testing. Allele origin: unknown. Not counted in ClinVar's aggregate classification.

Ambry Genetics
Classification: Pathogenic for Cystic fibrosis. Last evaluated: 2023-03-03. Review status: criteria provided, single submitter. Criteria: Ambry Variant Classification Scheme 2023. Collection method: clinical testing. Allele origin: germline. Not counted in ClinVar's aggregate classification.
Comment: The c.273+1G>A intronic variant results from a G to A substitution one nucleotide after coding exon 3 of the CFTR gene. Alterations that disrupt the canonical splice site are expected to cause aberrant splicing, resulting in an abnormal protein or a transcript that is subject to nonsense-mediated mRNA decay. Based on data from gnomAD, the A allele has an overall frequency of <0.001% (1/250546) total alleles studied. The highest observed frequency was 0.001% (1/113238) of European (non-Finnish) alleles. This variant, also known as c.405+1G>A in published literature, has been reported in multiple individuals with an elevated sweat chloride level in The Clinical and Functional TRanslation of CFTR (CFTR2) database (available at CFTR2. Accessed 07/25/2022). This nucleotide position is highly conserved in available vertebrate species. Functional in vitro studies found that cells carrying this pathogenic mutation had elevated sweat chloride levels and decreased lung function (Sosnay, 2013). In silico splice site analysis predicts that this alteration will weaken the native splice donor site. Based on the available evidence, this alteration is classified as pathogenic.

Fulgent Genetics
Classification: Pathogenic for Hereditary pancreatitis; Bronchiectasis with or without elevated sweat chloride 1; Cystic fibrosis; Congenital bilateral aplasia of vas deferens from CFTR mutation. Last evaluated: 2022-03-19. Review status: criteria provided, single submitter. Criteria: ACMG Guidelines, 2015. Collection method: clinical testing. Allele origin: unknown. Not counted in ClinVar's aggregate classification.

Quest Diagnostics Nichols Institute San Juan Capistrano
Classification: Pathogenic. Last evaluated: 2020-09-08. Review status: criteria provided, single submitter. Criteria: Quest Diagnostics criteria. Collection method: clinical testing. Allele origin: unknown. Not counted in ClinVar's aggregate classification.
Comment: The variant is located in a canonical splice-donor site and interferes with normal CFTR mRNA splicing. The variant has been reported in individuals affected with cystic fibrosis in the published literature (PMID: 22975760 (2013), 23974870 (2013), 15948195 (2005), 11336401 (2001), 7506605 (1993)). The variant has been shown to result in a frameshift resulting in premature termination of protein synthesis (PMID: 7506605 (1993)). The frequency of this variant in the general population is consistent with pathogenicity. Therefore, the variant is classified as pathogenic.

Myriad Genetics, Inc.
Classification: Pathogenic for Cystic fibrosis. Last evaluated: 2019-11-12. Review status: criteria provided, single submitter. Criteria: Myriad Women's Health Autosomal Recessive and X-Linked Classification Criteria (2019). Collection method: clinical testing. Allele origin: unknown. Not counted in ClinVar's aggregate classification.
Comment: NM_000492.3(CFTR):c.273+1G>A(aka 405+1G>A) is classified as pathogenic in the context of cystic fibrosis and is associated with the classic form of disease. Sources cited for classification include the following: PMID 23974870. Classification of NM_000492.3(CFTR):c.273+1G>A(aka 405+1G>A) is based on the following criteria: The variant is located at a canonical splice site, is expected to disrupt gene function and is reported in individuals with the relevant phenotype. Please note: this variant was assessed in the context of healthy population screening.â€šÃ„Ã¶âˆšÃ‘âˆšÂ£

CFTR-France
Classification: Pathogenic for cystic fibrosis. Last evaluated: 2018-01-29. Review status: criteria provided, single submitter. Criteria: Claustres M et al. (Hum Mutat 2017). Collection method: curation. Allele origin: germline. Affected: yes. Not counted in ClinVar's aggregate classification.

Women's Health and Genetics/Laboratory Corporation of America, LabCorp
Classification: Pathogenic. Last evaluated: 2017-10-12. Review status: criteria provided, single submitter. Criteria: LabCorp Variant Classification Summary - May 2015. Collection method: clinical testing. Allele origin: germline. Not counted in ClinVar's aggregate classification.
Comment: Variant summary: Variant summary: The CFTR c.273+1G>A variant involves the alteration of a conserved intronic nucleotide. One in silico tool predicts a damaging outcome for this variant. 4/5 splice prediction tools predict significant impact on normal splicing. These predictions were confirmed by a functional study, where authors showed that this change eliminated canonical donor site and lead to exon skipping in epithelial CFTR mRNA, subsequently introducing a frameshift with premature stop codon (Drk_1993). This variant was found in 1/245276 control chromosomes at a frequency of 0.0000041, which does not exceed the estimated maximal expected allele frequency of a pathogenic CFTR variant (0.0129603). The variant of interest has been reported in multiple affected individuals presented with classical CF (Sosnay_2013). In addition, multiple clinical diagnostic laboratories/reputable databases classified this variant as pathogenic. Taken together, this variant is classified as pathogenic.

Center for Pediatric Genomic Medicine, Children's Mercy Hospital and Clinics
Classification: Pathogenic. Last evaluated: 2015-10-19. Review status: criteria provided, single submitter. Criteria: ACMG Guidelines, 2015. Collection method: clinical testing. Allele origin: germline. Not counted in ClinVar's aggregate classification.

Literature cited by the submitters: PubMed 7506605 (cited by 4 submitters); PubMed 23974870 (cited by 5 submitters); PubMed 28546993 (cited by Labcorp Genetics (formerly Invitae), Labcorp); PubMed 9917439 (cited by Natera, Inc.); PubMed 15948195 (cited by Quest Diagnostics Nichols Institute San Juan Capistrano); PubMed 11336401 (cited by Quest Diagnostics Nichols Institute San Juan Capistrano); PubMed 22975760 (cited by Quest Diagnostics Nichols Institute San Juan Capistrano).

NM_000492.4(CFTR):c.273+1G>A

Gene: CFTR (CF transmembrane conductance regulator; plus strand). Cytogenetic location: 7q31.2.
Variant type: single nucleotide variant.
Coding change: c.273+1G>A on transcript NM_000492.4 (MANE Select); the canonical splice donor site of the intron after coding-DNA position 273, G replaced by A.
Molecular consequence: splice donor variant.
Genome position (GRCh38, 1-based): chr7:117,509,143, G>A. VCF-style: chr7-117509143-G-A. GRCh37 (hg19) VCF-style: chr7-117149197-G-A.
Other names: 405+1G->A.
Identifiers: ClinVar variation 53549 (VCV000053549.24), dbSNP rs121908791, ClinGen allele CA328106.